The following is an entry in ClinVar:

NM_001276345.2(TNNT2):c.68-8A>G

Gene: TNNT2 (troponin T2, cardiac type; minus strand). Cytogenetic location: 1q32.1.
Variant type: single nucleotide variant.
Coding change: c.68-8A>G on transcript NM_001276345.2 (MANE Select); 8 bases into the intron before coding-DNA position 68, A replaced by G.
Molecular consequence: intron variant.
Genome position (GRCh38, 1-based): chr1:201,369,853, T>C on the plus strand (A>G on the coding strand, the complement: TNNT2 is on the minus strand). VCF-style: chr1-201369853-T-C. GRCh37 (hg19) VCF-style: chr1-201338981-T-C.
Other names: c.68-8A>G (NM_001276345.1, NM_000364.3, NM_001276346.2 and 1 more transcripts); c.53-1626A>G (NM_001001432.3); c.68-1626A>G (NM_001001431.3, NM_001001430.3, NM_001276347.2).
Identifiers: ClinVar variation 43401 (VCV000043401.41), dbSNP rs115805892, ClinGen allele CA004936.

ClinVar aggregate classification (germline): Benign/Likely benign. Review status: criteria provided, multiple submitters, no conflicts (2 of 4 stars). 15 submissions from 13 submitters: Benign (9); Likely benign (1). 5 of the submissions do not count toward it. Last evaluated 2025-06-25.

Conditions:
TNNT2-related disorder. Also called: TNNT2-related condition.
Hypertrophic cardiomyopathy 2. Also called: TNNT2-Related Familial Hypertrophic Cardiomyopathy. Identifiers: MedGen C1861864, MONDO:0007266, OMIM 115195.
Cardiomyopathy, familial restrictive, 3. Identifiers: Orphanet 75249, MedGen C2676271, MONDO:0012900, OMIM 612422.
Dilated cardiomyopathy 1D. Identifiers: Orphanet 154, Orphanet 54260, MedGen C1832243, MONDO:0011095, OMIM 601494.
Cardiomyopathy (CMYO). Also called: Cardiomyopathies. Identifiers: Orphanet 167848, MedGen C0878544, MONDO:0004994, HP:0001638. Inheritance: Various modes of inheritance.

Allele frequency attached by ClinVar (database versions not stated): TOPMed 0.00898; ESP Exome Variant Server 0.00969; gnomAD exomes 0.00082 and 0.00198; ExAC 0.00233; 1000 Genomes Project 30x 0.00531; 1000 Genomes Project 0.00559; gnomAD 0.00782 and 0.00864.
gnomAD v4.1: 2,431 of 1,614,128 alleles (0.15%); highest among the groups gnomAD compares: African/African-American, 2.9%; 39 homozygotes.

Submissions (15):

ARUP Laboratories, Molecular Genetics and Genomics, ARUP Laboratories
Classification: Benign. Last evaluated: 2025-06-25. Review status: criteria provided, single submitter. Criteria: ARUP Molecular Germline Variant Investigation Process 2024. Collection method: clinical testing. Allele origin: germline.

Molecular Diagnostic Laboratory for Inherited Cardiovascular Disease, Montreal Heart Institute
Classification: Likely benign. Last evaluated: 2025-04-09. Review status: criteria provided, single submitter. Criteria: ACMG Guidelines, 2015. Collection method: clinical testing. Allele origin: germline. Affected: no.

Labcorp Genetics (formerly Invitae), Labcorp
Classification: Benign for Cardiomyopathy, familial restrictive, 3; Hypertrophic cardiomyopathy 2; Dilated cardiomyopathy 1D. Last evaluated: 2024-12-05. Review status: criteria provided, single submitter. Criteria: Invitae Variant Classification Sherloc (09022015). Collection method: clinical testing. Allele origin: germline.

Genome-Nilou Lab
Classification: Benign for Dilated cardiomyopathy 1D. Last evaluated: 2023-04-11. Review status: criteria provided, single submitter. Criteria: ACMG Guidelines, 2015. Collection method: clinical testing. Allele origin: germline. Affected: no.

Genome-Nilou Lab
Classification: Benign for Cardiomyopathy, familial restrictive, 3. Last evaluated: 2023-04-11. Review status: criteria provided, single submitter. Criteria: ACMG Guidelines, 2015. Collection method: clinical testing. Allele origin: germline. Affected: no.

Genome-Nilou Lab
Classification: Benign for Hypertrophic cardiomyopathy 2. Last evaluated: 2023-04-11. Review status: criteria provided, single submitter. Criteria: ACMG Guidelines, 2015. Collection method: clinical testing. Allele origin: germline. Affected: no.

Color Diagnostics, LLC DBA Color Health
Classification: Benign for Cardiomyopathy. Last evaluated: 2018-03-20. Review status: criteria provided, single submitter. Criteria: ACMG Guidelines, 2015. Collection method: clinical testing. Allele origin: germline.

GeneDx
Classification: Benign. Last evaluated: 2015-03-03. Review status: criteria provided, single submitter. Criteria: GeneDx Variant Classification Process June 2021. Collection method: clinical testing. Allele origin: germline. Affected: yes.

Laboratory for Molecular Medicine, Mass General Brigham Personalized Medicine
Classification: Benign. Last evaluated: 2011-12-23. Review status: criteria provided, single submitter. Criteria: LMM Criteria. Collection method: clinical testing. Allele origin: germline. Observed: 27 variant alleles.

Breakthrough Genomics
Classification: Benign. Review status: criteria provided, single submitter. Criteria: ACMG Guidelines, 2015. Collection method: not provided. Allele origin: germline. Inheritance: Autosomal dominant inheritance. Affected: yes.

PreventionGenetics, part of Exact Sciences
Classification: Benign for TNNT2-related condition. Last evaluated: 2019-04-15. Review status: no assertion criteria provided. Collection method: clinical testing. Allele origin: germline. Not counted in ClinVar's aggregate classification.
Comment: This variant is classified as benign based on ACMG/AMP sequence variant interpretation guidelines (Richards et al. 2015 PMID: 25741868, with internal and published modifications).

Clinical Genetics DNA and cytogenetics Diagnostics Lab, Erasmus MC, Erasmus Medical Center
Classification: Benign. Review status: no assertion criteria provided. Collection method: clinical testing. Allele origin: germline. Affected: yes. Study: VKGL Data-share Consensus. Not counted in ClinVar's aggregate classification.

Clinical Genetics, Academic Medical Center
Classification: Benign. Review status: no assertion criteria provided. Collection method: clinical testing. Allele origin: germline. Affected: yes. Study: VKGL Data-share Consensus. Not counted in ClinVar's aggregate classification.

Diagnostic Laboratory, Department of Genetics, University Medical Center Groningen
Classification: Likely benign. Review status: no assertion criteria provided. Collection method: clinical testing. Allele origin: germline. Affected: yes. Study: VKGL Data-share Consensus. Not counted in ClinVar's aggregate classification.

Joint Genome Diagnostic Labs from Nijmegen and Maastricht, Radboudumc and MUMC+
Classification: Benign. Review status: no assertion criteria provided. Collection method: clinical testing. Allele origin: germline. Affected: yes. Study: VKGL Data-share Consensus. Not counted in ClinVar's aggregate classification.